The following is an entry in ClinVar:

ClinVar aggregate classification (germline): Uncertain significance (1 of 4 stars; one submission).

Conditions:
Hereditary cancer-predisposing syndrome. Also called: Neoplastic Syndromes, Hereditary; Tumor predisposition; Hereditary Cancer Syndrome; Hereditary neoplastic syndrome. Identifiers: Orphanet 140162, MedGen C0027672, MeSH D009386, MONDO:0015356.

Submission:

Ambry Genetics
Classification: Uncertain significance for Hereditary cancer-predisposing syndrome. Last evaluated: 2021-06-29. Review status: criteria provided, single submitter. Criteria: Ambry Variant Classification Scheme 2023. Collection method: clinical testing. Allele origin: germline.
Comment: The p.P676L variant (also known as c.2027C>T), located in coding exon 14 of the MSH3 gene, results from a C to T substitution at nucleotide position 2027. The proline at codon 676 is replaced by leucine, an amino acid with similar properties. This amino acid position is conserved. In addition, the in silico prediction for this alteration is inconclusive. Since supporting evidence is limited at this time, the clinical significance of this alteration remains unclear.

NM_002439.5(MSH3):c.2027C>T (p.Pro676Leu)

Gene: MSH3 (mutS homolog 3; plus strand). Cytogenetic location: 5q14.1.
Variant type: single nucleotide variant.
Coding change: c.2027C>T on transcript NM_002439.5 (MANE Select); coding-DNA position 2027, C replaced by T.
Protein change: p.Pro676Leu; replaces proline 676 with leucine.
Molecular consequence: missense variant.
Genome position (GRCh38, 1-based): chr5:80,768,063, C>T. VCF-style: chr5-80768063-C-T. GRCh37 (hg19) VCF-style: chr5-80063882-C-T.
Other names: short protein forms P676L.
Identifiers: ClinVar variation 1784671 (VCV001784671.2), dbSNP rs2546773683, ClinGen allele CA360277805.